The following is an entry in ClinVar:

NM_001130987.2(DYSF):c.965G>A (p.Arg322His)

Gene: DYSF (dysferlin; plus strand). Cytogenetic location: 2p13.2.
Variant type: single nucleotide variant.
Coding change: c.965G>A on transcript NM_001130987.2 (MANE Select); coding-DNA position 965, G replaced by A.
Protein change: p.Arg322His; replaces arginine 322 with histidine.
Molecular consequence: missense variant.
Genome position (GRCh38, 1-based): chr2:71,517,002, G>A. VCF-style: chr2-71517002-G-A. GRCh37 (hg19) VCF-style: chr2-71744132-G-A.
Other names: c.872G>A, p.Arg291His (NM_001130455.2, NM_001130983.2, NM_001130984.2 and 1 more transcripts); c.869G>A, p.Arg290His (NM_001130976.2, NM_001130977.2, NM_001130978.2 and 1 more transcripts); c.962G>A, p.Arg321His (NM_001130979.2, NM_001130980.2, NM_001130981.2); c.965G>A, p.Arg322His (NM_001130982.2, NM_001130985.2); short protein forms R291H, R322H, R290H, R321H.
Identifiers: ClinVar variation 843321 (VCV000843321.4), dbSNP rs1386290894, ClinGen allele CA347210149.

ClinVar aggregate classification (germline): Uncertain significance. Review status: criteria provided, single submitter (1 of 4 stars). 2 submissions from 2 submitters: Uncertain significance (1). 1 of the submissions does not count toward it. Last evaluated 2021-08-31.

Conditions:
Neuromuscular disease caused by qualitative or quantitative defects of dysferlin. Also called: Qualitative or quantitative defects of dysferlin; Dysferlinopathy. Identifiers: Orphanet 207073, MedGen C2931687, MONDO:0016145.
Autosomal recessive limb-girdle muscular dystrophy type 2B (LGMDR2). Also called: MUSCULAR DYSTROPHY, LIMB-GIRDLE, TYPE 3; MUSCULAR DYSTROPHY, LIMB-GIRDLE, AUTOSOMAL RECESSIVE 2; Limb-girdle muscular dystrophy, type 2B; Limb-Girdle Muscular Dystrophy Type 2B (LGMD2B). Identifiers: Orphanet 268, MedGen C1850889, MONDO:0009676, OMIM 253601.

Allele frequency attached by ClinVar (database versions not stated): gnomAD 0.00001; TOPMed 0.00001.
gnomAD v4.1: 5 of 1,614,014 alleles (0.00031%); highest among the groups gnomAD compares: African/African-American, 0.0013%; no homozygotes.

Submissions (2):

Labcorp Genetics (formerly Invitae), Labcorp
Classification: Uncertain significance for Neuromuscular disease caused by qualitative or quantitative defects of dysferlin. Last evaluated: 2021-08-31. Review status: criteria provided, single submitter. Criteria: Invitae Variant Classification Sherloc (09022015). Collection method: clinical testing. Allele origin: germline.
Comment: This sequence change replaces arginine with histidine at codon 290 of the DYSF protein (p.Arg290His). The arginine residue is moderately conserved and there is a small physicochemical difference between arginine and histidine. This variant is not present in population databases (ExAC no frequency). This variant has not been reported in the literature in individuals affected with DYSF-related conditions. ClinVar contains an entry for this variant (Variation ID: 843321). Advanced modeling of protein sequence and biophysical properties (such as structural, functional, and spatial information, amino acid conservation, physicochemical variation, residue mobility, and thermodynamic stability) performed at Invitae indicates that this missense variant is not expected to disrupt DYSF protein function. In summary, the available evidence is currently insufficient to determine the role of this variant in disease. Therefore, it has been classified as a Variant of Uncertain Significance.

Natera, Inc.
Classification: Uncertain significance for Limb-girdle muscular dystrophy type 2B. Last evaluated: 2020-01-24. Review status: no assertion criteria provided. Collection method: clinical testing. Allele origin: germline. Not counted in ClinVar's aggregate classification.